The following is an entry in ClinVar:

NM_001715.3(BLK):c.1362G>T (p.Met454Ile)

Gene: BLK (BLK proto-oncogene, Src family tyrosine kinase). Cytogenetic location: 8p23.1.
Variant type: single nucleotide variant.
Coding change: c.1362G>T on transcript NM_001715.3 (MANE Select); coding-DNA position 1362, G replaced by T.
Protein change: p.Met454Ile; replaces methionine 454 with isoleucine.
Molecular consequence: missense variant.
Genome position (GRCh38, 1-based): chr8:11,563,952, G>T. VCF-style: chr8-11563952-G-T. GRCh37 (hg19) VCF-style: chr8-11421461-G-T.
Other names: c.1149G>T, p.Met383Ile (NM_001330465.2); c.1362G>T (NM_001715.2); short protein forms M383I, M454I.
Identifiers: ClinVar variation 2894554 (VCV002894554.4), dbSNP rs764918269, ClinGen allele CA4630500.

ClinVar aggregate classification (germline): Uncertain significance. Review status: criteria provided, multiple submitters, no conflicts (2 of 4 stars). 2 submissions from 2 submitters: Uncertain significance (2). Last evaluated 2025-12-04.

Allele frequency attached by ClinVar (database versions not stated): gnomAD 0.00001; TOPMed 0.00003.
gnomAD v4.1: 5 of 1,607,074 alleles (0.00031%); highest among the groups gnomAD compares: African/African-American, 0.0067%; no homozygotes.

Submissions (2):

Ambry Genetics
Classification: Uncertain significance. Last evaluated: 2025-12-04. Review status: criteria provided, single submitter. Criteria: Ambry Variant Classification Scheme 2023. Collection method: clinical testing. Allele origin: germline.

Labcorp Genetics (formerly Invitae), Labcorp
Classification: Uncertain significance. Last evaluated: 2023-12-30. Review status: criteria provided, single submitter. Criteria: Invitae Variant Classification Sherloc (09022015). Collection method: clinical testing. Allele origin: germline.
Comment: This sequence change replaces methionine, which is neutral and non-polar, with isoleucine, which is neutral and non-polar, at codon 454 of the BLK protein (p.Met454Ile). This variant is present in population databases (rs764918269, gnomAD 0.01%). This variant has not been reported in the literature in individuals affected with BLK-related conditions. An algorithm developed to predict the effect of missense changes on protein structure and function (PolyPhen-2) suggests that this variant is likely to be disruptive. In summary, the available evidence is currently insufficient to determine the role of this variant in disease. Therefore, it has been classified as a Variant of Uncertain Significance.